The following is an entry in ClinVar:

ClinVar aggregate classification (germline): Pathogenic (1 of 4 stars; one submission).

Conditions:
Retinitis pigmentosa (RP). Identifiers: Orphanet 791, MedGen C0035334, MeSH D012174, MONDO:0019200, OMIM 268000. Inheritance: Autosomal dominant, autosomal recessive and X linked inheritance.

Submission:

Genetics Research Center, University of Social Welfare and Rehabilitation Sciences
Classification: Pathogenic for Retinitis pigmentosa. Last evaluated: 2015-01-01. Review status: criteria provided, single submitter. Criteria: Submitter's publication. Collection method: research. Allele origin: germline. Affected: yes. Observed: 3 variant alleles. Study: Retinitis Pigmentosa.
Comment: Identification of disease-causing mutations in Iranian patients with autosomal recessive retinitis pigmentosa

NM_006269.2(RP1):c.679T>G (p.Phe227Val)

Gene: RP1 (RP1 axonemal microtubule associated; plus strand). Cytogenetic location: 8q12.1.
Variant type: single nucleotide variant.
Coding change: c.679T>G on transcript NM_006269.2 (MANE Select); coding-DNA position 679, T replaced by G.
Protein change: p.Phe227Val; replaces phenylalanine 227 with valine.
Molecular consequence: missense variant.
Genome position (GRCh38, 1-based): chr8:54,622,180, T>G. VCF-style: chr8-54622180-T-G. GRCh37 (hg19) VCF-style: chr8-55534740-T-G.
Other names: short protein forms F227V.
Identifiers: ClinVar variation 191355 (VCV000191355.2), dbSNP rs863223340, ClinGen allele CA279284.